The following is an entry in ClinVar:

NM_004304.5(ALK):c.3290G>A (p.Cys1097Tyr)

Gene: ALK (ALK receptor tyrosine kinase; minus strand). Cytogenetic location: 2p23.2.
Variant type: single nucleotide variant.
Coding change: c.3290G>A on transcript NM_004304.5 (MANE Select); coding-DNA position 3290, G replaced by A.
Protein change: p.Cys1097Tyr; replaces cysteine 1097 with tyrosine.
Molecular consequence: missense variant.
Genome position (GRCh38, 1-based): chr2:29,223,411, C>T on the plus strand (G>A on the coding strand, the complement: ALK is on the minus strand). VCF-style: chr2-29223411-C-T. GRCh37 (hg19) VCF-style: chr2-29446277-C-T.
Other names: c.3290G>A (NM_004304.4); c.86G>A, p.Cys29Tyr (NM_001353765.2); short protein forms C1097Y, C29Y.
Identifiers: ClinVar variation 3723295 (VCV003723295.3).

ClinVar aggregate classification (germline): Uncertain significance. Review status: criteria provided, multiple submitters, no conflicts (2 of 4 stars). 2 submissions from 2 submitters: Uncertain significance (2). Last evaluated 2026-08-19.

Conditions:
Neuroblastoma, susceptibility to, 3. Also called: ALK-Related Neuroblastic Tumor Susceptibility. Identifiers: Orphanet 635, MedGen C2751681, MONDO:0013083, OMIM 613014.
Hereditary cancer-predisposing syndrome. Also called: Tumor predisposition; Hereditary neoplastic syndrome; Hereditary Cancer Syndrome; Neoplastic Syndromes, Hereditary. Identifiers: Orphanet 140162, MedGen C0027672, MeSH D009386, MONDO:0015356.

gnomAD v4.1: 1 of 1,614,192 alleles (0.000062%); highest among the groups gnomAD compares: Non-Finnish European, 0.000085%; no homozygotes.

Submissions (2):

Ambry Genetics
Classification: Uncertain significance for Hereditary cancer-predisposing syndrome. Last evaluated: 2026-08-19. Review status: criteria provided, single submitter. Criteria: Ambry Variant Classification Scheme 2023. Collection method: clinical testing. Allele origin: germline.
Comment: The p.C1097Y variant (also known as c.3290G>A), located in coding exon 20 of the ALK gene, results from a G to A substitution at nucleotide position 3290. The cysteine at codon 1097 is replaced by tyrosine, an amino acid with highly dissimilar properties. This amino acid position is highly conserved in available vertebrate species. In addition, this alteration is predicted to be deleterious by in silico analysis. Based on the available evidence, the clinical significance of this variant remains unclear.

Labcorp Genetics (formerly Invitae), Labcorp
Classification: Uncertain significance for Neuroblastoma, susceptibility to, 3. Last evaluated: 2024-10-20. Review status: criteria provided, single submitter. Criteria: Invitae Variant Classification Sherloc (09022015). Collection method: clinical testing. Allele origin: germline.
Comment: This sequence change replaces cysteine, which is neutral and slightly polar, with tyrosine, which is neutral and polar, at codon 1097 of the ALK protein (p.Cys1097Tyr). This variant is not present in population databases (gnomAD no frequency). This variant has not been reported in the literature in individuals affected with ALK-related conditions. An algorithm developed to predict the effect of missense changes on protein structure and function (PolyPhen-2) suggests that this variant is likely to be tolerated. In summary, the available evidence is currently insufficient to determine the role of this variant in disease. Therefore, it has been classified as a Variant of Uncertain Significance.